The following is an entry in ClinVar:

ClinVar aggregate classification (germline): Uncertain significance (1 of 4 stars; one submission).

Conditions:
Left ventricular noncompaction 8 (LVNC8). Identifiers: Orphanet 154, Orphanet 54260, MedGen C3809288, MONDO:0014152, OMIM 615373.

Allele frequency attached by ClinVar (database versions not stated): gnomAD exomes below 0.00001 and 0.00001; TOPMed below 0.00001; ExAC 0.00001; gnomAD 0.00003.
gnomAD v4.1: 12 of 1,611,632 alleles (0.00074%); highest among the groups gnomAD compares: African/African-American, 0.004%; no homozygotes.

Submission:

Labcorp Genetics (formerly Invitae), Labcorp
Classification: Uncertain significance for Left ventricular noncompaction 8. Last evaluated: 2022-03-19. Review status: criteria provided, single submitter. Criteria: Invitae Variant Classification Sherloc (09022015). Collection method: clinical testing. Allele origin: germline.
Comment: In summary, the available evidence is currently insufficient to determine the role of this variant in disease. Therefore, it has been classified as a Variant of Uncertain Significance. Algorithms developed to predict the effect of missense changes on protein structure and function are either unavailable or do not agree on the potential impact of this missense change (SIFT: "Deleterious"; PolyPhen-2: "Benign"; Align-GVGD: "Class C0"). ClinVar contains an entry for this variant (Variation ID: 955298). This variant has not been reported in the literature in individuals affected with PRDM16-related conditions. This variant is present in population databases (rs779756897, gnomAD 0.003%). This sequence change replaces glutamic acid, which is acidic and polar, with lysine, which is basic and polar, at codon 69 of the PRDM16 protein (p.Glu69Lys).

NM_022114.4(PRDM16):c.205G>A (p.Glu69Lys)

Gene: PRDM16 (PR/SET domain 16; plus strand). Cytogenetic location: 1p36.32.
Variant type: single nucleotide variant.
Coding change: c.205G>A on transcript NM_022114.4 (MANE Select); coding-DNA position 205, G replaced by A.
Protein change: p.Glu69Lys; replaces glutamic acid 69 with lysine.
Molecular consequence: missense variant.
Genome position (GRCh38, 1-based): chr1:3,186,292, G>A. VCF-style: chr1-3186292-G-A. GRCh37 (hg19) VCF-style: chr1-3102856-G-A.
Other names: c.205G>A, p.Glu69Lys (NM_199454.3); short protein forms E69K.
Identifiers: ClinVar variation 955298 (VCV000955298.9), dbSNP rs779756897, ClinGen allele CA543726.
Genomic context (GRCh38, chr1:3,186,292, plus strand): 5'-GGGCCACCGTCCCCCTTCCCCACCAGCGAGGACTTCACCCCCAAGGAGGGCTCGCCGTAC[G>A]AGGCCCCTGTCTACATTCCTGAAGACATTCCGATCCCAGCAGACTTCGAGCTCCGAGAGT-3'
Protein context (NP_071397.3, residues 59-79): DFTPKEGSPY[Glu69Lys]APVYIPEDIP